The following is an entry in ClinVar:

ClinVar aggregate classification (germline): Conflicting classifications of pathogenicity. Review status: criteria provided, conflicting classifications (1 of 4 stars). 2 submissions from 2 submitters: Uncertain significance (1); Likely benign (1). Last evaluated 2025-05-22.

Conditions:
Brugada syndrome. Also called: Sudden unexpected nocturnal death syndrome; Sudden unexplained nocturnal death syndrome; Sudden Unexplained Death Syndrome; Sudden Unexplained Nocturnal Death Syndrome (SUNDS). Identifiers: Orphanet 130, MedGen C1142166, MONDO:0015263.
Cardiovascular phenotype. Identifiers: MedGen CN230736.

Allele frequency attached by ClinVar (database versions not stated): gnomAD 0.00001; gnomAD exomes 0.00001.
gnomAD v4.1: 7 of 1,613,428 alleles (0.00043%); highest among the groups gnomAD compares: African/African-American, 0.0053%; no homozygotes.

Submissions (2):

Labcorp Genetics (formerly Invitae), Labcorp
Classification: Uncertain significance for Brugada syndrome. Last evaluated: 2025-05-22. Review status: criteria provided, single submitter. Criteria: Invitae Variant Classification Sherloc (09022015). Collection method: clinical testing. Allele origin: germline.
Comment: This sequence change replaces alanine, which is neutral and non-polar, with threonine, which is neutral and polar, at codon 695 of the SCN10A protein (p.Ala695Thr). This variant is present in population databases (no rsID available, gnomAD 0.007%). This variant has not been reported in the literature in individuals affected with SCN10A-related conditions. ClinVar contains an entry for this variant (Variation ID: 1785600). Invitae Evidence Modeling of protein sequence and biophysical properties (such as structural, functional, and spatial information, amino acid conservation, physicochemical variation, residue mobility, and thermodynamic stability) indicates that this missense variant is not expected to disrupt SCN10A protein function with a negative predictive value of 80%. In summary, the available evidence is currently insufficient to determine the role of this variant in disease. Therefore, it has been classified as a Variant of Uncertain Significance.

Ambry Genetics
Classification: Likely benign for Cardiovascular phenotype. Last evaluated: 2021-05-13. Review status: criteria provided, single submitter. Criteria: Ambry Variant Classification Scheme 2023. Collection method: clinical testing. Allele origin: germline.

NM_006514.4(SCN10A):c.2083G>A (p.Ala695Thr)

Gene: SCN10A (sodium voltage-gated channel alpha subunit 10; minus strand). Cytogenetic location: 3p22.2.
Variant type: single nucleotide variant.
Coding change: c.2083G>A on transcript NM_006514.4 (MANE Select); coding-DNA position 2083, G replaced by A.
Protein change: p.Ala695Thr; replaces alanine 695 with threonine.
Molecular consequence: missense variant.
Genome position (GRCh38, 1-based): chr3:38,742,314, C>T on the plus strand (G>A on the coding strand, the complement: SCN10A is on the minus strand). VCF-style: chr3-38742314-C-T. GRCh37 (hg19) VCF-style: chr3-38783805-C-T.
Other names: c.2083G>A, p.Ala695Thr (NM_001293306.2); c.1789G>A, p.Ala597Thr (NM_001293307.2); short protein forms A695T, A597T.
Identifiers: ClinVar variation 1785600 (VCV001785600.3), dbSNP rs1429171505, ClinGen allele CA352164999.